The following is an entry in ClinVar:

ClinVar aggregate classification (germline): Likely benign. Review status: criteria provided, multiple submitters, no conflicts (2 of 4 stars). 3 submissions from 3 submitters: Likely benign (2). 1 of the submissions does not count toward it. Last evaluated 2025-12-15.

Conditions:
Ichthyosis linearis circumflexa. Identifiers: MedGen C0265962, MONDO:0043106, HP:0025810.
SPINK5-related disorder. Also called: SPINK5-related condition.

Allele frequency attached by ClinVar (database versions not stated): gnomAD exomes 0.00005; ExAC 0.00006; TOPMed 0.00013; 1000 Genomes Project 30x 0.00016; gnomAD 0.00017 and 0.00019; 1000 Genomes Project 0.00020; ESP Exome Variant Server 0.00024.
gnomAD v4.1: 63 of 1,613,382 alleles (0.0039%); highest among the groups gnomAD compares: African/African-American, 0.068%; no homozygotes.

Submissions (3):

Labcorp Genetics (formerly Invitae), Labcorp
Classification: Likely benign for Ichthyosis linearis circumflexa. Last evaluated: 2025-12-15. Review status: criteria provided, single submitter. Criteria: Invitae Variant Classification Sherloc (09022015). Collection method: clinical testing. Allele origin: germline.

GeneDx
Classification: Likely benign. Last evaluated: 2016-12-21. Review status: criteria provided, single submitter. Criteria: GeneDx Variant Classification (06012015). Collection method: clinical testing. Allele origin: germline. Affected: yes.
Comment: This variant is considered likely benign or benign based on one or more of the following criteria: it is a conservative change, it occurs at a poorly conserved position in the protein, it is predicted to be benign by multiple in silico algorithms, and/or has population frequency not consistent with disease.

PreventionGenetics, part of Exact Sciences
Classification: Likely benign for SPINK5-related condition. Last evaluated: 2019-06-12. Review status: no assertion criteria provided. Collection method: clinical testing. Allele origin: germline. Not counted in ClinVar's aggregate classification.
Comment: This variant is classified as likely benign based on ACMG/AMP sequence variant interpretation guidelines (Richards et al. 2015 PMID: 25741868, with internal and published modifications).

NM_006846.4(SPINK5):c.1539G>A (p.Glu513=)

Gene: SPINK5 (serine peptidase inhibitor Kazal type 5; plus strand). Cytogenetic location: 5q32.
Variant type: single nucleotide variant.
Coding change: c.1539G>A on transcript NM_006846.4 (MANE Select); coding-DNA position 1539, G replaced by A.
Protein change: p.Glu513=; no amino-acid change (glutamic acid 513 retained).
Molecular consequence: synonymous variant.
Genome position (GRCh38, 1-based): chr5:148,107,096, G>A. VCF-style: chr5-148107096-G-A. GRCh37 (hg19) VCF-style: chr5-147486659-G-A.
Other names: c.1539G>A, p.Glu513= (NM_001127698.2, NM_001127699.2).
Identifiers: ClinVar variation 391954 (VCV000391954.12), dbSNP rs184512279, ClinGen allele CA3495650.